The following is an entry in ClinVar:

NM_024747.6(HPS6):c.37_38delinsGG (p.Leu13Gly)

Genes: HPS6 (HPS6 biogenesis of lysosomal organelles complex 2 subunit 3; plus strand), LOC130004578 (ATAC-STARR-seq lymphoblastoid silent region 2738; plus strand). Cytogenetic location: 10q24.32.
Variant type: Indel.
Coding change: c.37_38delinsGG on transcript NM_024747.6 (MANE Select); coding-DNA positions 37 to 38, CT replaced by GG.
Protein change: p.Leu13Gly; replaces leucine 13 with glycine.
Molecular consequence: missense variant.
Genome position (GRCh38, 1-based): chr10:102,065,511-102,065,512, CT replaced by GG. VCF-style: chr10-102065511-CT-GG. GRCh37 (hg19) VCF-style: chr10-103825268-CT-GG.
Other names: short protein forms L13G.
Identifiers: ClinVar variation 1918509 (VCV001918509.2), dbSNP rs2540985967, ClinGen allele CA2580081156.
Genomic context (GRCh38, chr10:102,065,511, plus strand): 5'-GGCGCGCTCCCGCGCAGCGGCGCCATGAAGCGCTCGGGGACTCTGCGGCTGCTCTCGGAC[CT>GG]GAGCGCCTTCGGCGGCGCGGCGCGGCTCCGGGAGCTGGTGGCCGGGGACTCAGCGGTCCG-3'
Protein context (NP_079023.2, residues 3-23): RSGTLRLLSD[Leu13Gly]SAFGGAARLR

ClinVar aggregate classification (germline): Uncertain significance (1 of 4 stars; one submission).

Submission:

Labcorp Genetics (formerly Invitae), Labcorp
Classification: Uncertain significance. Last evaluated: 2022-10-24. Review status: criteria provided, single submitter. Criteria: Invitae Variant Classification Sherloc (09022015). Collection method: clinical testing. Allele origin: germline.
Comment: This sequence change replaces leucine, which is neutral and non-polar, with glycine, which is neutral and non-polar, at codon 13 of the HPS6 protein (p.Leu13Gly). This variant is present in population databases (no rsID available, gnomAD 0.3%). This variant has not been reported in the literature in individuals affected with HPS6-related conditions. Algorithms developed to predict the effect of missense changes on protein structure and function are either unavailable or do not agree on the potential impact of this missense change (SIFT: "Not Available"; PolyPhen-2: "Probably Damaging"; Align-GVGD: "Not Available"). In summary, the available evidence is currently insufficient to determine the role of this variant in disease. Therefore, it has been classified as a Variant of Uncertain Significance.